The following is an entry in ClinVar:

ClinVar aggregate classification (germline): Uncertain significance. Review status: criteria provided, multiple submitters, no conflicts (2 of 4 stars). 3 submissions from 3 submitters: Uncertain significance (3). Last evaluated 2025-11-02.

Conditions:
Ehlers-Danlos syndrome (EDS). Identifiers: Orphanet 98249, MedGen C0013720, MONDO:0020066.
Familial thoracic aortic aneurysm and aortic dissection (TAAD). Also called: Thoracic aortic aneurysms and dissections. Identifiers: Orphanet 91387, MedGen C4707243, MONDO:0019625.

Submissions (3):

Ambry Genetics
Classification: Uncertain significance for Familial thoracic aortic aneurysm and aortic dissection. Last evaluated: 2025-11-02. Review status: criteria provided, single submitter. Criteria: Ambry Variant Classification Scheme 2023. Collection method: clinical testing. Allele origin: germline.
Comment: The p.L330V variant (also known as c.988C>G), located in coding exon 6 of the TGFB2 gene, results from a C to G substitution at nucleotide position 988. The leucine at codon 330 is replaced by valine, an amino acid with highly similar properties. This amino acid position is conserved. In addition, the in silico prediction for this alteration is inconclusive. Based on the available evidence, the clinical significance of this variant remains unclear.

CHEO Genetics Diagnostic Laboratory, Children's Hospital of Eastern Ontario
Classification: Uncertain significance for Familial thoracic aortic aneurysm and aortic dissection. Last evaluated: 2021-07-22. Review status: criteria provided, single submitter. Criteria: ACMG Guidelines, 2015. Collection method: clinical testing. Allele origin: germline.

Genome Diagnostics Laboratory, The Hospital for Sick Children
Classification: Uncertain significance for Ehlers-Danlos syndrome. Last evaluated: 2020-07-01. Review status: criteria provided, single submitter. Criteria: ACMG Guidelines, 2015. Collection method: clinical testing. Allele origin: germline.

NM_003238.6(TGFB2):c.988C>G (p.Leu330Val)

Gene: TGFB2 (transforming growth factor beta 2; plus strand). Cytogenetic location: 1q41.
Variant type: single nucleotide variant.
Coding change: c.988C>G on transcript NM_003238.6 (MANE Select); coding-DNA position 988, C replaced by G.
Protein change: p.Leu330Val; replaces leucine 330 with valine.
Molecular consequence: missense variant. On other transcripts: non-coding transcript variant (2).
Genome position (GRCh38, 1-based): chr1:218,437,398, C>G. VCF-style: chr1-218437398-C-G. GRCh37 (hg19) VCF-style: chr1-218610740-C-G.
Other names: c.1072C>G (NM_001135599.3); c.988C>G (NM_003238.3); c.1072C>G, p.Leu358Val (NM_001135599.4); short protein forms L330V, L358V.
Identifiers: ClinVar variation 1702286 (VCV001702286.6), dbSNP rs2102630064, ClinGen allele CA344727512.